The following is an entry in ClinVar:

ClinVar aggregate classification (germline): Uncertain significance (1 of 4 stars; one submission).

Conditions:
Aicardi-Goutieres syndrome 4. Identifiers: Orphanet 51, MedGen C1835912, MONDO:0012472, OMIM 610333.

Allele frequency attached by ClinVar (database versions not stated): TOPMed below 0.00001.

Submission:

Labcorp Genetics (formerly Invitae), Labcorp
Classification: Uncertain significance for Aicardi-Goutieres syndrome 4. Last evaluated: 2022-07-18. Review status: criteria provided, single submitter. Criteria: Invitae Variant Classification Sherloc (09022015). Collection method: clinical testing. Allele origin: germline.
Comment: ClinVar contains an entry for this variant (Variation ID: 1389201). This variant has not been reported in the literature in individuals affected with RNASEH2A-related conditions. The frequency data for this variant in the population databases is considered unreliable, as metrics indicate poor data quality at this position in the gnomAD database. This sequence change replaces alanine, which is neutral and non-polar, with threonine, which is neutral and polar, at codon 296 of the RNASEH2A protein (p.Ala296Thr). In summary, the available evidence is currently insufficient to determine the role of this variant in disease. Therefore, it has been classified as a Variant of Uncertain Significance. Algorithms developed to predict the effect of missense changes on protein structure and function (SIFT, PolyPhen-2, Align-GVGD) all suggest that this variant is likely to be tolerated.

NM_006397.3(RNASEH2A):c.886G>A (p.Ala296Thr)

Gene: RNASEH2A (ribonuclease H2 subunit A; plus strand). Cytogenetic location: 19p13.13.
Variant type: single nucleotide variant.
Coding change: c.886G>A on transcript NM_006397.3 (MANE Select); coding-DNA position 886, G replaced by A.
Protein change: p.Ala296Thr; replaces alanine 296 with threonine.
Molecular consequence: missense variant.
Genome position (GRCh38, 1-based): chr19:12,813,452, G>A. VCF-style: chr19-12813452-G-A. GRCh37 (hg19) VCF-style: chr19-12924266-G-A.
Other names: short protein forms A296T.
Identifiers: ClinVar variation 1389201 (VCV001389201.6), dbSNP rs1243574081, ClinGen allele CA404270103.